The following is an entry in ClinVar:

ClinVar aggregate classification (germline): Uncertain significance (1 of 4 stars; one submission).

Conditions:
Neuropathy, hereditary sensory and autonomic, type 2A (HSAN2A). Also called: HSAN IIA; WNK1-Related HSAN2 (HSAN2A); ACROOSTEOLYSIS, GIACCAI TYPE; ACROOSTEOLYSIS, NEUROGENIC; MORVAN DISEASE; NEUROPATHY, CONGENITAL SENSORY. Identifiers: Orphanet 970, MedGen C2752089, MONDO:0024309, OMIM 201300.
Pseudohypoaldosteronism type 2C (PHA2C). Also called: Pseudohypoaldosteronism Type IIC. Identifiers: Orphanet 757, Orphanet 88940, MedGen C1840391, MONDO:0013778, OMIM 614492.

gnomAD v4.1: 1 of 1,493,680 alleles (0.000067%); no homozygotes.

Submission:

Labcorp Genetics (formerly Invitae), Labcorp
Classification: Uncertain significance for Neuropathy, hereditary sensory and autonomic, type 2A; Pseudohypoaldosteronism type 2C. Last evaluated: 2025-04-30. Review status: criteria provided, single submitter. Criteria: Invitae Variant Classification Sherloc (09022015). Collection method: clinical testing. Allele origin: germline.
Comment: This sequence change falls in intron 8 of the WNK1 gene. It does not directly change the encoded amino acid sequence of the WNK1 protein. This variant is not present in population databases (gnomAD no frequency). This variant has not been reported in the literature in individuals affected with WNK1-related conditions. ClinVar contains an entry for this variant (Variation ID: 3763004). Algorithms developed to predict the effect of sequence changes on RNA splicing suggest that this variant may create or strengthen a splice site. In summary, the available evidence is currently insufficient to determine the role of this variant in disease. Therefore, it has been classified as a Variant of Uncertain Significance.

NM_018979.4(WNK1):c.2139+2820T>C

Gene: WNK1 (WNK lysine deficient protein kinase 1; plus strand). Cytogenetic location: 12p13.33.
Variant type: single nucleotide variant.
Coding change: c.2139+2820T>C on transcript NM_018979.4 (MANE Select); 2820 bases into the intron after coding-DNA position 2139, T replaced by C.
Molecular consequence: intron variant.
Genome position (GRCh38, 1-based): chr12:865,090, T>C. VCF-style: chr12-865090-T-C. GRCh37 (hg19) VCF-style: chr12-974256-T-C.
Other names: c.2140-20T>C (NM_213655.5); c.2140-2776T>C (NM_001184985.2); c.2139+2820T>C (NM_014823.3).
Identifiers: ClinVar variation 3763004 (VCV003763004.2).